The following is an entry in ClinVar:

NM_005633.4(SOS1):c.1941-5G>A

Gene: SOS1 (SOS Ras/Rac guanine nucleotide exchange factor 1; minus strand). Cytogenetic location: 2p22.1.
Variant type: single nucleotide variant.
Coding change: c.1941-5G>A on transcript NM_005633.4 (MANE Select); 5 bases into the intron before coding-DNA position 1941, G replaced by A.
Molecular consequence: intron variant.
Genome position (GRCh38, 1-based): chr2:39,013,994, C>T on the plus strand (G>A on the coding strand, the complement: SOS1 is on the minus strand). VCF-style: chr2-39013994-C-T. GRCh37 (hg19) VCF-style: chr2-39241135-C-T.
Other names: c.1941-5G>A (NM_005633.3, NM_001382395.1); c.1920-5G>A (NM_001382394.1).
Identifiers: ClinVar variation 3618068 (VCV003618068.3).

ClinVar aggregate classification (germline): Conflicting classifications of pathogenicity. Review status: criteria provided, conflicting classifications (1 of 4 stars). 2 submissions from 2 submitters: Uncertain significance (1); Likely benign (1). Last evaluated 2025-06-16.

Conditions:
RASopathy. Also called: rasopathies; Noonan spectrum disorder. Identifiers: Orphanet 536391, MedGen C5555857, MONDO:0021060.
Cardiovascular phenotype. Identifiers: MedGen CN230736.

Submissions (2):

Ambry Genetics
Classification: Uncertain significance for Cardiovascular phenotype. Last evaluated: 2025-06-16. Review status: criteria provided, single submitter. Criteria: Ambry Variant Classification Scheme 2023. Collection method: clinical testing. Allele origin: germline.
Comment: The c.1941-5G>A intronic variant results from a G to A substitution 5 nucleotides upstream from coding exon 12 in the SOS1 gene. This nucleotide position is not well conserved in available vertebrate species. In silico splice site analysis predicts that this alteration will not have any significant effect on splicing. Based on the available evidence, the clinical significance of this variant remains unclear.

Labcorp Genetics (formerly Invitae), Labcorp
Classification: Likely benign for RASopathy. Last evaluated: 2024-08-15. Review status: criteria provided, single submitter. Criteria: Invitae Variant Classification Sherloc (09022015). Collection method: clinical testing. Allele origin: germline.